The following is an entry in ClinVar:

ClinVar aggregate classification (germline): Uncertain significance (1 of 4 stars; one submission).

Allele frequency attached by ClinVar (database versions not stated): TOPMed below 0.00001; gnomAD exomes 0.00001; ExAC 0.00002.
gnomAD v4.1: 8 of 1,613,386 alleles (0.0005%); highest among the groups gnomAD compares: Non-Finnish European, 0.00068%; no homozygotes.

Submission:

Labcorp Genetics (formerly Invitae), Labcorp
Classification: Uncertain significance. Last evaluated: 2026-01-11. Review status: criteria provided, single submitter. Criteria: Invitae Variant Classification Sherloc (09022015). Collection method: clinical testing. Allele origin: germline.
Comment: This sequence change replaces glycine, which is neutral and non-polar, with valine, which is neutral and non-polar, at codon 5422 of the HMCN1 protein (p.Gly5422Val). This variant is present in population databases (rs764900660, gnomAD 0.002%). This variant has not been reported in the literature in individuals affected with HMCN1-related conditions. ClinVar contains an entry for this variant (Variation ID: 2117962). An algorithm developed to predict the effect of missense changes on protein structure and function (PolyPhen-2) suggests that this variant is likely to be disruptive. In summary, the available evidence is currently insufficient to determine the role of this variant in disease. Therefore, it has been classified as a Variant of Uncertain Significance.

NM_031935.3(HMCN1):c.16265G>T (p.Gly5422Val)

Gene: HMCN1 (hemicentin 1; plus strand). Cytogenetic location: 1q31.1.
Variant type: single nucleotide variant.
Coding change: c.16265G>T on transcript NM_031935.3 (MANE Select); coding-DNA position 16265, G replaced by T.
Protein change: p.Gly5422Val; replaces glycine 5422 with valine.
Molecular consequence: missense variant.
Genome position (GRCh38, 1-based): chr1:186,178,737, G>T. VCF-style: chr1-186178737-G-T. GRCh37 (hg19) VCF-style: chr1-186147869-G-T.
Other names: short protein forms G5422V.
Identifiers: ClinVar variation 2117962 (VCV002117962.4), dbSNP rs764900660, ClinGen allele CA1295498.